The following is an entry in ClinVar:

NM_015627.3(LDLRAP1):c.402del (p.Ser135fs)

Gene: LDLRAP1 (low density lipoprotein receptor adaptor protein 1; plus strand). Cytogenetic location: 1p36.11.
Variant type: Deletion.
Coding change: c.402del on transcript NM_015627.3 (MANE Select); coding-DNA position 402, one base deleted (G; older notation c.402delG).
Protein change: p.Ser135fs; shifts the reading frame from serine 135.
Molecular consequence: frameshift variant.
Genome position (GRCh38, 1-based): chr1:25,557,210, G deleted. VCF-style (leftmost placement, unchanged base first): chr1-25557209-AG-A. GRCh37 (hg19) VCF-style: chr1-25883700-AG-A.
Other names: c.402delG (NM_015627.3); short protein forms S135fs.
Identifiers: ClinVar variation 1072018 (VCV001072018.9), dbSNP rs2044223568, ClinGen allele CA1159703959.

ClinVar aggregate classification (germline): Pathogenic/Likely pathogenic. Review status: criteria provided, multiple submitters, no conflicts (2 of 4 stars). 3 submissions from 3 submitters: Pathogenic (2); Likely pathogenic (1). Last evaluated 2026-04-10.

Conditions:
Familial hypercholesterolemia. Also called: Familial hypercholesterolemias; Familial hypercholesterolaemia. Identifiers: MedGen C0020445, MONDO:0005439.
Hypercholesterolemia, familial, 4 (FHCL4). Also called: HYPERCHOLESTEROLEMIA, AUTOSOMAL RECESSIVE, 1; HYPERCHOLESTEROLEMIA, AUTOSOMAL RECESSIVE, 2. Identifiers: Orphanet 391665, MedGen C1863512, MONDO:0011374, OMIM 603813.

Allele frequency attached by ClinVar (database versions not stated): TOPMed below 0.00001.

Submissions (3):

Women's Health and Genetics/Laboratory Corporation of America, LabCorp
Classification: Pathogenic for Familial hypercholesterolemia. Last evaluated: 2026-04-10. Review status: criteria provided, single submitter. Criteria: LabCorp Variant Classification Summary - May 2015. Collection method: clinical testing. Allele origin: germline.
Comment: Variant summary: LDLRAP1 c.402delG (p.Ser135AlafsX27) results in a premature termination codon, predicted to cause a truncation of the encoded protein or absence of the protein due to nonsense mediated decay, which are commonly known mechanisms for disease. The variant was absent in 251422 control chromosomes. To our knowledge, no occurrence of c.402delG in individuals affected with LDLRAP1-related conditions and no experimental evidence demonstrating its impact on protein function have been reported. ClinVar contains an entry for this variant (Variation ID: 1072018). Based on the evidence outlined above, the variant was classified as pathogenic.

Revvity Omics, Revvity
Classification: Likely pathogenic for Hypercholesterolemia, familial, 4. Last evaluated: 2024-10-24. Review status: criteria provided, single submitter. Criteria: ACMG Guidelines, 2015. Collection method: clinical testing. Allele origin: germline.

Labcorp Genetics (formerly Invitae), Labcorp
Classification: Pathogenic for Hypercholesterolemia, familial, 4. Last evaluated: 2023-10-30. Review status: criteria provided, single submitter. Criteria: Invitae Variant Classification Sherloc (09022015). Collection method: clinical testing. Allele origin: germline.
Comment: This sequence change creates a premature translational stop signal (p.Ser135Alafs*27) in the LDLRAP1 gene. It is expected to result in an absent or disrupted protein product. Loss-of-function variants in LDLRAP1 are known to be pathogenic (PMID: 11326085, 12464675). This variant is not present in population databases (gnomAD no frequency). This variant has not been reported in the literature in individuals affected with LDLRAP1-related conditions. ClinVar contains an entry for this variant (Variation ID: 1072018). For these reasons, this variant has been classified as Pathogenic.

Literature cited by the submitters: PubMed 11326085 (cited by Labcorp Genetics (formerly Invitae), Labcorp); PubMed 12464675 (cited by Labcorp Genetics (formerly Invitae), Labcorp).